The following is an entry in ClinVar:

NM_000094.4(COL7A1):c.8473G>C (p.Gly2825Arg)

Gene: COL7A1 (collagen type VII alpha 1 chain; minus strand). Cytogenetic location: 3p21.31.
Variant type: single nucleotide variant.
Coding change: c.8473G>C on transcript NM_000094.4 (MANE Select); coding-DNA position 8473, G replaced by C.
Protein change: p.Gly2825Arg; replaces glycine 2825 with arginine.
Molecular consequence: missense variant.
Genome position (GRCh38, 1-based): chr3:48,565,464, C>G on the plus strand (G>C on the coding strand, the complement: COL7A1 is on the minus strand). VCF-style: chr3-48565464-C-G. GRCh37 (hg19) VCF-style: chr3-48602897-C-G.
Other names: short protein forms G2825R.
Identifiers: ClinVar variation 1986471 (VCV001986471.1), dbSNP rs139308059, ClinGen allele CA352635026.

ClinVar aggregate classification (germline): Uncertain significance (1 of 4 stars; one submission).

Submission:

Labcorp Genetics (formerly Invitae), Labcorp
Classification: Uncertain significance. Last evaluated: 2020-08-09. Review status: criteria provided, single submitter. Criteria: Invitae Variant Classification Sherloc (09022015). Collection method: clinical testing. Allele origin: germline.
Comment: This sequence change replaces glycine with arginine at codon 2825 of the COL7A1 protein (p.Gly2825Arg). The glycine residue is weakly conserved and there is a moderate physicochemical difference between glycine and arginine. This variant is not present in population databases (ExAC no frequency). This variant has not been reported in the literature in individuals with COL7A1-related conditions. Advanced modeling of protein sequence and biophysical properties (such as structural, functional, and spatial information, amino acid conservation, physicochemical variation, residue mobility, and thermodynamic stability) performed at Invitae indicates that this missense variant is not expected to disrupt COL7A1 protein function. In summary, the available evidence is currently insufficient to determine the role of this variant in disease. Therefore, it has been classified as a Variant of Uncertain Significance.